The following is an entry in ClinVar:

ClinVar aggregate classification (germline): Uncertain significance (1 of 4 stars; one submission).

Conditions:
ALG6-congenital disorder of glycosylation 1C (CDG1C). Also called: CARBOHYDRATE-DEFICIENT GLYCOPROTEIN SYNDROME, TYPE I, WITH DEFICIENT GLYCOSYLATION OF DOLICHOL-LINKED OLIGOSACCHARIDE; CARBOHYDRATE-DEFICIENT GLYCOPROTEIN SYNDROME, TYPE V; Congenital disorder of glycosylation type 1C; Congenital disorder of glycosylation, type Ic; CDG Ic. Identifiers: Orphanet 79320, MedGen C2930997, MONDO:0011291, OMIM 603147.

Submission:

Labcorp Genetics (formerly Invitae), Labcorp
Classification: Uncertain significance for ALG6-congenital disorder of glycosylation 1C. Last evaluated: 2024-07-01. Review status: criteria provided, single submitter. Criteria: Invitae Variant Classification Sherloc (09022015). Collection method: clinical testing. Allele origin: germline.
Comment: This sequence change replaces threonine, which is neutral and polar, with isoleucine, which is neutral and non-polar, at codon 459 of the ALG6 protein (p.Thr459Ile). This variant is not present in population databases (gnomAD no frequency). This variant has not been reported in the literature in individuals affected with ALG6-related conditions. Advanced modeling of protein sequence and biophysical properties (such as structural, functional, and spatial information, amino acid conservation, physicochemical variation, residue mobility, and thermodynamic stability) performed at Invitae indicates that this missense variant is not expected to disrupt ALG6 protein function with a negative predictive value of 80%. In summary, the available evidence is currently insufficient to determine the role of this variant in disease. Therefore, it has been classified as a Variant of Uncertain Significance.

NM_013339.4(ALG6):c.1376C>T (p.Thr459Ile)

Gene: ALG6 (ALG6 alpha-1,3-glucosyltransferase; plus strand). Cytogenetic location: 1p31.3.
Variant type: single nucleotide variant.
Coding change: c.1376C>T on transcript NM_013339.4 (MANE Select); coding-DNA position 1376, C replaced by T.
Protein change: p.Thr459Ile; replaces threonine 459 with isoleucine.
Molecular consequence: missense variant.
Genome position (GRCh38, 1-based): chr1:63,436,872, C>T. VCF-style: chr1-63436872-C-T. GRCh37 (hg19) VCF-style: chr1-63902543-C-T.
Other names: short protein forms T459I.
Identifiers: ClinVar variation 3646636 (VCV003646636.2).